The following is an entry in ClinVar:

ClinVar aggregate classification (germline): Uncertain significance. Review status: criteria provided, multiple submitters, no conflicts (2 of 4 stars). 2 submissions from 2 submitters: Uncertain significance (2). Last evaluated 2024-12-22.

Conditions:
Hypertrophic cardiomyopathy. Also called: HYPERTROPHIC MYOCARDIOPATHY. Identifiers: Orphanet 217569, MedGen C0007194, MeSH D002312, MONDO:0005045, HP:0001639.

Allele frequency attached by ClinVar (database versions not stated): gnomAD exomes below 0.00001; TOPMed 0.00002; ExAC 0.00003; gnomAD 0.00005; ESP Exome Variant Server 0.00008; 1000 Genomes Project 30x 0.00047; 1000 Genomes Project 0.00060.
gnomAD v4.1: 16 of 1,613,380 alleles (0.00099%); highest among the groups gnomAD compares: African/African-American, 0.015%; no homozygotes.

Submissions (2):

Labcorp Genetics (formerly Invitae), Labcorp
Classification: Uncertain significance for Hypertrophic cardiomyopathy. Last evaluated: 2024-12-22. Review status: criteria provided, single submitter. Criteria: Invitae Variant Classification Sherloc (09022015). Collection method: clinical testing. Allele origin: germline.
Comment: This sequence change replaces cysteine, which is neutral and slightly polar, with phenylalanine, which is neutral and non-polar, at codon 844 of the MYOM1 protein (p.Cys844Phe). This variant is present in population databases (rs149930243, gnomAD 0.03%). This variant has not been reported in the literature in individuals affected with MYOM1-related conditions. ClinVar contains an entry for this variant (Variation ID: 2174226). An algorithm developed to predict the effect of missense changes on protein structure and function (PolyPhen-2) suggests that this variant is likely to be tolerated. In summary, the available evidence is currently insufficient to determine the role of this variant in disease. Therefore, it has been classified as a Variant of Uncertain Significance.

Ambry Genetics
Classification: Uncertain significance. Last evaluated: 2023-01-08. Review status: criteria provided, single submitter. Criteria: Ambry Variant Classification Scheme 2023. Collection method: clinical testing. Allele origin: germline.
Comment: The p.C844F variant (also known as c.2531G>T), located in coding exon 17 of the MYOM1 gene, results from a G to T substitution at nucleotide position 2531. The cysteine at codon 844 is replaced by phenylalanine, an amino acid with highly dissimilar properties. This amino acid position is conserved. In addition, this alteration is predicted to be tolerated by in silico analysis. Since supporting evidence is limited at this time, the clinical significance of this alteration remains unclear.

NM_003803.4(MYOM1):c.2531G>T (p.Cys844Phe)

Gene: MYOM1 (myomesin 1; minus strand). Cytogenetic location: 18p11.31.
Variant type: single nucleotide variant.
Coding change: c.2531G>T on transcript NM_003803.4 (MANE Select); coding-DNA position 2531, G replaced by T.
Protein change: p.Cys844Phe; replaces cysteine 844 with phenylalanine.
Molecular consequence: missense variant. On other transcripts: intron variant (1).
Genome position (GRCh38, 1-based): chr18:3,129,495, C>A on the plus strand (G>T on the coding strand, the complement: MYOM1 is on the minus strand). VCF-style: chr18-3129495-C-A. GRCh37 (hg19) VCF-style: chr18-3129493-C-A.
Other names: c.2506+1880G>T (NM_019856.2); short protein forms C844F.
Identifiers: ClinVar variation 2174226 (VCV002174226.6), dbSNP rs149930243, ClinGen allele CA8874587.
Genomic context (GRCh38, chr18:3,129,495, plus strand): 5'-GCTTCATGCACGCGCCCCCTGGAGGCGGTTAGTCCACCAGGCTCATCGCTCAGTGCGGGA[C>A]ACACATCTGGAGACACTCCTCCCCCTACAGTTGCCAGACAACAACAGAAACGCATTGAGC-3'
Protein context (NP_003794.3, residues 834-854): AIGGGVSPDV[Cys844Phe]PALSDEPGGL